The following is an entry in ClinVar:

NM_001253697.2(ERBIN):c.876A>G (p.Pro292=)

Gene: ERBIN (erbb2 interacting protein; plus strand). Cytogenetic location: 5q12.3.
Variant type: single nucleotide variant.
Coding change: c.876A>G on transcript NM_001253697.2 (MANE Select); coding-DNA position 876, A replaced by G.
Protein change: p.Pro292=; no amino-acid change (proline 292 retained).
Molecular consequence: synonymous variant.
Genome position (GRCh38, 1-based): chr5:66,025,538, A>G. VCF-style: chr5-66025538-A-G. GRCh37 (hg19) VCF-style: chr5-65321366-A-G.
Other names: c.876A>G (NM_001006600.2); c.876A>G, p.Pro292= (NM_001006600.3, NM_001253698.2, NM_001253699.2 and 2 more transcripts).
Identifiers: ClinVar variation 735682 (VCV000735682.33), dbSNP rs143695017, ClinGen allele CA3286069.

ClinVar aggregate classification (germline): Likely benign. Review status: criteria provided, multiple submitters, no conflicts (2 of 4 stars). 3 submissions from 3 submitters: Likely benign (2). 1 of the submissions does not count toward it. Last evaluated 2026-01-14.

Conditions:
ERBIN-related disorder. Also called: ERBIN-related condition.

Allele frequency attached by ClinVar (database versions not stated): ExAC 0.00045; TOPMed 0.00048; gnomAD exomes 0.00076 and 0.00049; 1000 Genomes Project 0.00100; 1000 Genomes Project 30x 0.00109; gnomAD 0.00054; ESP Exome Variant Server 0.00062.
gnomAD v4.1: 1,194 of 1,612,052 alleles (0.074%); highest among the groups gnomAD compares: Non-Finnish European, 0.087%; 1 homozygote.

Submissions (3):

Labcorp Genetics (formerly Invitae), Labcorp
Classification: Likely benign. Last evaluated: 2026-01-14. Review status: criteria provided, single submitter. Criteria: Invitae Variant Classification Sherloc (09022015). Collection method: clinical testing. Allele origin: germline.

CeGaT Center for Human Genetics Tuebingen
Classification: Likely benign. Last evaluated: 2022-11-01. Review status: criteria provided, single submitter. Criteria: CeGaT Center For Human Genetics Tuebingen Variant Classification Criteria Version 2. Collection method: clinical testing. Allele origin: germline. Affected: yes. Observed: 2 variant alleles.
Comment: ERBIN: BP4, BP7

PreventionGenetics, part of Exact Sciences
Classification: Likely benign for ERBIN-related condition. Last evaluated: 2022-02-10. Review status: no assertion criteria provided. Collection method: clinical testing. Allele origin: germline. Not counted in ClinVar's aggregate classification.
Comment: This variant is classified as likely benign based on ACMG/AMP sequence variant interpretation guidelines (Richards et al. 2015 PMID: 25741868, with internal and published modifications).